The following is an entry in ClinVar:

ClinVar aggregate classification (germline): Uncertain significance. Review status: criteria provided, multiple submitters, no conflicts (2 of 4 stars). 2 submissions from 2 submitters: Uncertain significance (2). Last evaluated 2024-09-18.

Conditions:
Neonatal-onset encephalopathy with rigidity and seizures. Also called: Lethal neonatal spasticity-epileptic encephalopathy syndrome. Identifiers: Orphanet 435845, MedGen C3281029, MONDO:0013784, OMIM 614498.

Allele frequency attached by ClinVar (database versions not stated): ExAC below 0.00001; gnomAD exomes 0.00002 and 0.00005; gnomAD 0.00003.
gnomAD v4.1: 70 of 1,614,014 alleles (0.0043%); highest among the groups gnomAD compares: Non-Finnish European, 0.0058%; 1 homozygote.

Submissions (2):

Blueprint Genetics
Classification: Uncertain significance. Last evaluated: 2024-09-18. Review status: criteria provided, single submitter. Criteria: ACMG Guidelines, 2015. Collection method: clinical testing. Allele origin: germline.

Labcorp Genetics (formerly Invitae), Labcorp
Classification: Uncertain significance for Neonatal-onset encephalopathy with rigidity and seizures. Last evaluated: 2024-01-29. Review status: criteria provided, single submitter. Criteria: Invitae Variant Classification Sherloc (09022015). Collection method: clinical testing. Allele origin: germline.
Comment: This sequence change replaces leucine, which is neutral and non-polar, with phenylalanine, which is neutral and non-polar, at codon 73 of the BRAT1 protein (p.Leu73Phe). This variant is present in population databases (rs764154665, gnomAD 0.007%). This variant has not been reported in the literature in individuals affected with BRAT1-related conditions. ClinVar contains an entry for this variant (Variation ID: 943688). Advanced modeling of protein sequence and biophysical properties (such as structural, functional, and spatial information, amino acid conservation, physicochemical variation, residue mobility, and thermodynamic stability) performed at Invitae indicates that this missense variant is not expected to disrupt BRAT1 protein function with a negative predictive value of 80%. In summary, the available evidence is currently insufficient to determine the role of this variant in disease. Therefore, it has been classified as a Variant of Uncertain Significance.

NM_152743.4(BRAT1):c.217C>T (p.Leu73Phe)

Gene: BRAT1 (BRCA1 associated ATM activator 1; minus strand). Cytogenetic location: 7p22.3.
Variant type: single nucleotide variant.
Coding change: c.217C>T on transcript NM_152743.4 (MANE Select); coding-DNA position 217, C replaced by T.
Protein change: p.Leu73Phe; replaces leucine 73 with phenylalanine.
Molecular consequence: missense variant. On other transcripts: 5 prime UTR variant (1), non-coding transcript variant (1).
Genome position (GRCh38, 1-based): chr7:2,547,389, G>A on the plus strand (C>T on the coding strand, the complement: BRAT1 is on the minus strand). VCF-style: chr7-2547389-G-A. GRCh37 (hg19) VCF-style: chr7-2587023-G-A.
Other names: c.217C>T, p.Leu73Phe (NM_001350626.2); c.-161C>T (NM_001350627.2); short protein forms L73F.
Identifiers: ClinVar variation 943688 (VCV000943688.6), dbSNP rs764154665, ClinGen allele CA4128277.